The following is an entry in ClinVar:

ClinVar aggregate classification (germline): Conflicting classifications of pathogenicity. Review status: criteria provided, conflicting classifications (1 of 4 stars). 5 submissions from 5 submitters: Uncertain significance (3); Likely benign (1). 1 of the submissions does not count toward it. Last evaluated 2023-11-22.

Conditions:
NDUFS2-related disorder. Also called: NDUFS2-related condition.
Inborn genetic diseases. Identifiers: MedGen C0950123, MeSH D030342.

Allele frequency attached by ClinVar (database versions not stated): ExAC 0.00016; 1000 Genomes Project 30x 0.00031; 1000 Genomes Project 0.00040; gnomAD 0.00044 and 0.00048; TOPMed 0.00100.
gnomAD v4.1: 313 of 1,614,168 alleles (0.019%); highest among the groups gnomAD compares: Admixed American, 0.24%; 1 homozygote.

Submissions (5):

Mayo Clinic Laboratories, Mayo Clinic
Classification: Uncertain significance. Last evaluated: 2023-11-22. Review status: criteria provided, single submitter. Criteria: ACMG Guidelines, 2015. Collection method: clinical testing. Allele origin: germline. Observed: 2 variant alleles.
Comment: BS1

Labcorp Genetics (formerly Invitae), Labcorp
Classification: Uncertain significance. Last evaluated: 2022-09-28. Review status: criteria provided, single submitter. Criteria: Invitae Variant Classification Sherloc (09022015). Collection method: clinical testing. Allele origin: germline.
Comment: This sequence change replaces alanine, which is neutral and non-polar, with serine, which is neutral and polar, at codon 426 of the NDUFS2 protein (p.Ala426Ser). This variant is present in population databases (rs186476170, gnomAD 0.2%). This missense change has been observed in individual(s) with clinical features of mitochondrial complex I deficiency (PMID: 20818383). ClinVar contains an entry for this variant (Variation ID: 214801). Advanced modeling of protein sequence and biophysical properties (such as structural, functional, and spatial information, amino acid conservation, physicochemical variation, residue mobility, and thermodynamic stability) performed at Invitae indicates that this missense variant is not expected to disrupt NDUFS2 protein function. In summary, the available evidence is currently insufficient to determine the role of this variant in disease. Therefore, it has been classified as a Variant of Uncertain Significance.

Ambry Genetics
Classification: Likely benign for Inborn genetic diseases. Last evaluated: 2021-11-04. Review status: criteria provided, single submitter. Criteria: Ambry Variant Classification Scheme 2023. Collection method: clinical testing. Allele origin: germline.

Women's Health and Genetics/Laboratory Corporation of America, LabCorp
Classification: Uncertain significance. Last evaluated: 2019-08-07. Review status: criteria provided, single submitter. Criteria: LabCorp Variant Classification Summary - May 2015. Collection method: clinical testing. Allele origin: germline.
Comment: Variant summary: NDUFS2 c.1276G>T (p.Ala426Ser) results in a conservative amino acid change located in the NADH-quinone oxidoreductase, subunit D domain of the encoded protein sequence. Three of five in-silico tools predict a damaging effect of the variant on protein function. The variant allele was found at a frequency of 0.00032 in 251472 control chromosomes. This frequency is not significantly higher than expected for a pathogenic variant in NDUFS2 causing Mitochondrial complex I deficiency (0.00032 vs 2%), allowing no conclusion about variant significance. c.1276G>T has been reported in the literature in an individual affected with Mitochondrial complex I deficiency (Calvo_2010). This report does not provide unequivocal conclusions about association of the variant with Mitochondrial complex I deficiency. To our knowledge, no experimental evidence demonstrating an impact on protein function has been reported. No clinical diagnostic laboratories have submitted clinical-significance assessments for this variant to ClinVar after 2014. Based on the evidence outlined above, the variant was classified as uncertain significance.

PreventionGenetics, part of Exact Sciences
Classification: Likely benign for NDUFS2-related condition. Last evaluated: 2024-05-30. Review status: no assertion criteria provided. Collection method: clinical testing. Allele origin: germline. Not counted in ClinVar's aggregate classification.
Comment: This variant is classified as likely benign based on ACMG/AMP sequence variant interpretation guidelines (Richards et al. 2015 PMID: 25741868, with internal and published modifications).

Literature cited by the submitters: PubMed 20818383 (cited by 4 submitters); PubMed 28050010 (cited by Ambry Genetics and Women's Health and Genetics/Laboratory Corporation of America, LabCorp).

NM_001377299.1(NDUFS2):c.1276G>T (p.Ala426Ser)

Gene: NDUFS2 (NADH:ubiquinone oxidoreductase core subunit S2; plus strand). Cytogenetic location: 1q23.3.
Variant type: single nucleotide variant.
Coding change: c.1276G>T on transcript NM_001377299.1 (MANE Select); coding-DNA position 1276, G replaced by T.
Protein change: p.Ala426Ser; replaces alanine 426 with serine.
Molecular consequence: missense variant. On other transcripts: non-coding transcript variant (1).
Genome position (GRCh38, 1-based): chr1:161,213,712, G>T. VCF-style: chr1-161213712-G-T. GRCh37 (hg19) VCF-style: chr1-161183502-G-T.
Other names: p.Ala426Ser; c.1276G>T, p.Ala426Ser (NM_001166159.2, NM_001377298.1, NM_001377300.1 and 3 more transcripts); short protein forms A426S.
Identifiers: ClinVar variation 214801 (VCV000214801.7), dbSNP rs186476170, ClinGen allele CA324465.